The following is an entry in ClinVar:

NM_001367871.1(FBRSL1):c.1068G>A (p.Pro356=)

Gene: FBRSL1 (fibrosin like 1; plus strand). Cytogenetic location: 12q24.33.
Variant type: single nucleotide variant.
Coding change: c.1068G>A on transcript NM_001367871.1 (MANE Select); coding-DNA position 1068, G replaced by A.
Protein change: p.Pro356=; no amino-acid change (proline 356 retained).
Molecular consequence: synonymous variant.
Genome position (GRCh38, 1-based): chr12:132,570,395, G>A. VCF-style: chr12-132570395-G-A. GRCh37 (hg19) VCF-style: chr12-133146981-G-A.
Other names: c.1068G>A, p.Pro356= (NM_001142641.2, NM_001382739.1, NM_001382740.1).
Identifiers: ClinVar variation 3771194 (VCV003771194.13).

ClinVar aggregate classification (germline): Likely benign (1 of 4 stars; one submission).

gnomAD v4.1: 213 of 1,534,340 alleles (0.014%); highest among the groups gnomAD compares: South Asian, 0.039%; no homozygotes.

Submission:

CeGaT Center for Human Genetics Tuebingen
Classification: Likely benign. Last evaluated: 2025-01-01. Review status: criteria provided, single submitter. Criteria: CeGaT Center For Human Genetics Tuebingen Variant Classification Criteria Version 2. Collection method: clinical testing. Allele origin: germline. Affected: yes. Observed: 1 variant allele.
Comment: FBRSL1: BP4, BP7